The following is an entry in ClinVar:

ClinVar aggregate classification (germline): Likely benign. Review status: criteria provided, single submitter (1 of 4 stars). 2 submissions from 2 submitters: Likely benign (1). 1 of the submissions does not count toward it. Last evaluated 2025-12-17.

Conditions:
SLC26A4-related disorder. Also called: SLC26A4-related condition; SLC26A4-related disorders.

Allele frequency attached by ClinVar (database versions not stated): gnomAD exomes below 0.00001 and 0.00001; gnomAD 0.00001; TOPMed 0.00002.

Submissions (2):

Labcorp Genetics (formerly Invitae), Labcorp
Classification: Likely benign. Last evaluated: 2025-12-17. Review status: criteria provided, single submitter. Criteria: Invitae Variant Classification Sherloc (09022015). Collection method: clinical testing. Allele origin: germline.

PreventionGenetics, part of Exact Sciences
Classification: Likely benign for SLC26A4-related condition. Last evaluated: 2019-03-27. Review status: no assertion criteria provided. Collection method: clinical testing. Allele origin: germline. Not counted in ClinVar's aggregate classification.
Comment: This variant is classified as likely benign based on ACMG/AMP sequence variant interpretation guidelines (Richards et al. 2015 PMID: 25741868, with internal and published modifications).

NM_000441.2(SLC26A4):c.1113T>C (p.Tyr371=)

Gene: SLC26A4 (solute carrier family 26 member 4; plus strand). Cytogenetic location: 7q22.3.
Variant type: single nucleotide variant.
Coding change: c.1113T>C on transcript NM_000441.2 (MANE Select); coding-DNA position 1113, T replaced by C.
Protein change: p.Tyr371=; no amino-acid change (tyrosine 371 retained).
Molecular consequence: synonymous variant.
Genome position (GRCh38, 1-based): chr7:107,689,164, T>C. VCF-style: chr7-107689164-T-C. GRCh37 (hg19) VCF-style: chr7-107329609-T-C.
Other names: c.1113T>C (NM_000441.1).
Identifiers: ClinVar variation 1638234 (VCV001638234.10), dbSNP rs944464820, ClinGen allele CA164210284.